The following is an entry in ClinVar:

ClinVar aggregate classification (germline): Pathogenic (1 of 4 stars; one submission).

Submission:

Labcorp Genetics (formerly Invitae), Labcorp
Classification: Pathogenic. Last evaluated: 2023-12-27. Review status: criteria provided, single submitter. Criteria: Invitae Variant Classification Sherloc (09022015). Collection method: clinical testing. Allele origin: germline.
Comment: This sequence change creates a premature translational stop signal (p.Glu1723*) in the ANK1 gene. It is expected to result in an absent or disrupted protein product. Loss-of-function variants in ANK1 are known to be pathogenic (PMID: 8640229). This variant is not present in population databases (gnomAD no frequency). This variant has not been reported in the literature in individuals affected with ANK1-related conditions. For these reasons, this variant has been classified as Pathogenic.

Literature cited by the submitters: PubMed 8640229.

NM_000037.4(ANK1):c.5167G>T (p.Glu1723Ter)

Gene: ANK1 (ankyrin 1; minus strand). Cytogenetic location: 8p11.21.
Variant type: single nucleotide variant.
Coding change: c.5167G>T on transcript NM_000037.4 (MANE Select); coding-DNA position 5167, G replaced by T.
Protein change: p.Glu1723Ter; replaces glutamic acid 1723 with a stop codon.
Molecular consequence: nonsense.
Genome position (GRCh38, 1-based): chr8:41,668,494, C>A on the plus strand (G>T on the coding strand, the complement: ANK1 is on the minus strand). VCF-style: chr8-41668494-C-A. GRCh37 (hg19) VCF-style: chr8-41526012-C-A.
Other names: c.5290G>T, p.Glu1764Ter (NM_001142446.2); c.5167G>T, p.Glu1723Ter (NM_020475.3, NM_020476.3); c.4681G>T, p.Glu1561Ter (NM_020477.3); short protein forms E1561*, E1723*, E1764*.
Identifiers: ClinVar variation 2705786 (VCV002705786.3), dbSNP rs756933506, ClinGen allele CA371051858.